The following is an entry in ClinVar:

ClinVar aggregate classification (germline): Pathogenic. Review status: reviewed by expert panel (3 of 4 stars). 10 submissions from 10 submitters: Pathogenic (1). 9 of the submissions do not count toward it. Last evaluated 2016-09-08.

Conditions:
Hereditary cancer-predisposing syndrome. Also called: Hereditary neoplastic syndrome; Neoplastic Syndromes, Hereditary; Hereditary Cancer Syndrome; Tumor predisposition. Identifiers: Orphanet 140162, MedGen C0027672, MeSH D009386, MONDO:0015356.
Hereditary breast ovarian cancer syndrome. Also called: Breast and ovarian cancer; Hereditary breast and ovarian cancer syndrome; BRCA1- and BRCA2-Associated Hereditary Breast and Ovarian Cancer; Hereditary breast and ovarian cancer syndrome (HBOC); Hereditary breast and/or ovarian cancer syndrome; Hereditary breast and ovarian cancer. Identifiers: Orphanet 145, MedGen C0677776, MeSH D061325, MONDO:0003582. Disease mechanism: loss of function.
Breast carcinoma. Also called: Carcinoma of breast. Identifiers: MedGen C0678222, MONDO:0004989, HP:0003002.
Breast-ovarian cancer, familial, susceptibility to, 1 (BROVCA1). Also called: BRCA1 Hereditary Breast and Ovarian Cancer; OVARIAN CANCER, SUSCEPTIBILITY TO. Identifiers: Orphanet 145, MedGen C2676676, MONDO:0011450, OMIM 604370. Disease mechanism: loss of function.

Submissions (10):

Evidence-based Network for the Interpretation of Germline Mutant Alleles (ENIGMA)
Classification: Pathogenic for Breast-ovarian cancer, familial, susceptibility to, 1. Last evaluated: 2016-09-08. Review status: reviewed by expert panel. Criteria: ENIGMA BRCA1/2 Classification Criteria (2015). Collection method: curation. Allele origin: germline.
Comment: Variant allele predicted to encode a truncated non-functional protein.

GeneDx
Classification: Pathogenic. Last evaluated: 2026-03-30. Review status: criteria provided, single submitter. Criteria: GeneDx Variant Classification Process June 2021. Collection method: clinical testing. Allele origin: germline. Not counted in ClinVar's aggregate classification.
Comment: Nonsense variant predicted to result in protein truncation or nonsense mediated decay in a gene for which loss of function is a known mechanism of disease; Not observed at significant frequency in large population cohorts (gnomAD); Truncating variants in this gene are considered pathogenic by a well-established clinical consortium and/or database; Also known as 3168G>T; This variant is associated with the following publications: (PMID: 36974006, 31825140, 34490083, 30702160, 29446198, 31815095, 38355628, 37563628, 41068641, 31467961, 33649982, 28294317, 32846166)

Labcorp Genetics (formerly Invitae), Labcorp
Classification: Pathogenic for Hereditary breast ovarian cancer syndrome. Last evaluated: 2025-03-27. Review status: criteria provided, single submitter. Criteria: Invitae Variant Classification Sherloc (09022015). Collection method: clinical testing. Allele origin: germline. Not counted in ClinVar's aggregate classification.
Comment: This sequence change creates a premature translational stop signal (p.Glu1017*) in the BRCA1 gene. It is expected to result in an absent or disrupted protein product. Loss-of-function variants in BRCA1 are known to be pathogenic (PMID: 20104584). This variant is not present in population databases (gnomAD no frequency). This premature translational stop signal has been observed in individual(s) with breast cancer (PMID: 28294317, 30702160). ClinVar contains an entry for this variant (Variation ID: 54764). For these reasons, this variant has been classified as Pathogenic.

Ambry Genetics
Classification: Pathogenic for Hereditary cancer-predisposing syndrome. Last evaluated: 2023-12-13. Review status: criteria provided, single submitter. Criteria: Ambry Variant Classification Scheme 2023. Collection method: clinical testing. Allele origin: germline. Not counted in ClinVar's aggregate classification.
Comment: The p.E1017* pathogenic mutation (also known as c.3049G>T), located in coding exon 9 of the BRCA1 gene, results from a G to T substitution at nucleotide position 3049. This changes the amino acid from a glutamic acid to a stop codon within coding exon 9. This alteration was identified in a large, worldwide study of BRCA1/2 mutation positive families (Rebbeck TR et al. Hum. Mutat., 2018 05;39:593-620). In addition this alteration was identified multiple individuals with breast and/or ovarian cancer (Manchana T et al. Gynecol Oncol Rep, 2019 Aug;29:102-105; Manchana T et al. World J Clin Oncol, 2019 Nov;10:358-368; Lang GT et al. Int. J. Cancer, 2017 07;141:129-142; Bhaskaran SP et al. Int. J. Cancer, 2019 08;145:962-973). In addition to the clinical data presented in the literature, this alteration is expected to result in loss of function by premature protein truncation or nonsense-mediated mRNA decay. As such, this alteration is interpreted as a disease-causing mutation.

Color Diagnostics, LLC DBA Color Health
Classification: Pathogenic for Hereditary cancer-predisposing syndrome. Last evaluated: 2021-04-27. Review status: criteria provided, single submitter. Criteria: ACMG Guidelines, 2015. Collection method: clinical testing. Allele origin: germline. Not counted in ClinVar's aggregate classification.
Comment: This variant changes 1 nucleotide in exon 10 of the BRCA1 gene, creating a premature translation stop signal. This variant is expected to result in an absent or non-functional protein product. To our knowledge, functional studies have not been reported for this variant. This variant has been detected in at least three individuals affected with breast and ovarian cancer (PMID: 31815095, 32846166, 33471991; Leiden Open Variation Database DB-ID BRCA1_000769) and in suspected hereditary breast and ovarian cancer families (PMID: 28294317, 30702160). This variant has not been identified in the general population by the Genome Aggregation Database (gnomAD). Loss of BRCA1 function is a known mechanism of disease. Based on the available evidence, this variant is classified as Pathogenic.

Consortium of Investigators of Modifiers of BRCA1/2 (CIMBA), c/o University of Cambridge
Classification: Pathogenic for Breast-ovarian cancer, familial, susceptibility to, 1. Last evaluated: 2015-10-02. Review status: criteria provided, single submitter. Criteria: CIMBA Mutation Classification guidelines May 2016. Collection method: clinical testing. Allele origin: germline. Not counted in ClinVar's aggregate classification.

Biomedical Genomics and Oncogenetics Laboratory, Institut Pasteur de Tunis, University Tunis El Manar
Classification: Pathogenic for Breast-ovarian cancer, familial, susceptibility to, 1. Review status: criteria provided, single submitter. Criteria: ACMG Guidelines, 2015. Collection method: clinical testing. Allele origin: germline. Affected: yes. Observed: 1 variant allele. Not counted in ClinVar's aggregate classification.

BRCAlab, Lund University
Classification: Pathogenic for Breast-ovarian cancer, familial, susceptibility to, 1. Last evaluated: 2022-08-26. Review status: no assertion criteria provided. Collection method: clinical testing. Allele origin: germline. Affected: yes. Not counted in ClinVar's aggregate classification.

Medical Genetics Laboratory, Umraniye Training and Research Hospital, University of Health Sciences
Classification: Pathogenic for Breast carcinoma. Last evaluated: 2021-08-23. Review status: no assertion criteria provided. Collection method: clinical testing. Allele origin: germline. Affected: yes. Observed: 1 variant allele, 1 heterozygote. Not counted in ClinVar's aggregate classification.
Comment: Invasive Ductal Carcinoma Estrogen Receptor: Positive Progesterone Receptor: Positive HER2 Receptor: Positive

Breast Cancer Information Core (BIC) (BRCA1)
Classification: Pathogenic for Breast-ovarian cancer, familial 1. Last evaluated: 2003-12-23. Review status: no assertion criteria provided. Collection method: clinical testing. Allele origin: germline. Affected: yes. Observed: 1 variant allele. Not counted in ClinVar's aggregate classification.

Literature cited by the submitters: PubMed 20104584 (cited by Labcorp Genetics (formerly Invitae), Labcorp); PubMed 28294317 (cited by 3 submitters); PubMed 30702160 (cited by Labcorp Genetics (formerly Invitae), Labcorp and Ambry Genetics); PubMed 29446198 (cited by Ambry Genetics); PubMed 31467961 (cited by Ambry Genetics); PubMed 31815095 (cited by Ambry Genetics).

NM_007294.4(BRCA1):c.3049G>T (p.Glu1017Ter)

Gene: BRCA1 (BRCA1 DNA repair associated; minus strand). Cytogenetic location: 17q21.31.
Variant type: single nucleotide variant.
Coding change: c.3049G>T on transcript NM_007294.4 (MANE Select); coding-DNA position 3049, G replaced by T.
Protein change: p.Glu1017Ter; replaces glutamic acid 1017 with a stop codon.
Molecular consequence: nonsense. On other transcripts: intron variant (137).
Genome position (GRCh38, 1-based): chr17:43,092,482, C>A on the plus strand (G>T on the coding strand, the complement: BRCA1 is on the minus strand). VCF-style: chr17-43092482-C-A. GRCh37 (hg19) VCF-style: chr17-41244499-C-A.
Other names: c.2836G>T, p.Glu946Ter (NM_001407571.1, NM_001407853.1, NM_001407894.1 and 9 more transcripts); c.3049G>T, p.Glu1017Ter (NM_001407581.1, NM_001407582.1, NM_001407583.1 and 30 more transcripts); c.3046G>T, p.Glu1016Ter (NM_001407587.1, NM_001407590.1, NM_001407591.1 and 22 more transcripts); c.3040G>T, p.Glu1014Ter (NM_001407646.1, NM_001407647.1); c.2926G>T, p.Glu976Ter (NM_001407648.1, NM_001407664.1, NM_001407665.1 and 19 more transcripts); c.2923G>T, p.Glu975Ter (NM_001407649.1, NM_001407670.1, NM_001407671.1 and 11 more transcripts); c.2971G>T, p.Glu991Ter (NM_001407653.1, NM_001407654.1, NM_001407655.1 and 4 more transcripts); c.2968G>T, p.Glu990Ter (NM_001407659.1, NM_001407660.1, NM_001407661.1 and 1 more transcripts); and 41 more; short protein forms E1017*, E970*, E849*, E950*, E976*, E1016*, E890*, E928*.
Identifiers: ClinVar variation 54764 (VCV000054764.42), dbSNP rs80357004, ClinGen allele CA002004.